The following is an entry in ClinVar:

ClinVar aggregate classification (germline): Likely benign (1 of 4 stars; one submission).

Allele frequency attached by ClinVar (database versions not stated): gnomAD 0.00002; ExAC 0.00008; ESP Exome Variant Server 0.00008.
gnomAD v4.1: 9 of 1,570,730 alleles (0.00057%); highest among the groups gnomAD compares: African/African-American, 0.0027%; no homozygotes.

Submission:

CeGaT Center for Human Genetics Tuebingen
Classification: Likely benign. Last evaluated: 2023-04-01. Review status: criteria provided, single submitter. Criteria: CeGaT Center For Human Genetics Tuebingen Variant Classification Criteria Version 2. Collection method: clinical testing. Allele origin: germline. Affected: yes. Observed: 1 variant allele.
Comment: SDK2: BP4, BP7

NM_001144952.2(SDK2):c.2907C>T (p.Ala969=)

Gene: SDK2 (sidekick cell adhesion molecule 2; minus strand). Cytogenetic location: 17q25.1.
Variant type: single nucleotide variant.
Coding change: c.2907C>T on transcript NM_001144952.2 (MANE Select); coding-DNA position 2907, C replaced by T.
Protein change: p.Ala969=; no amino-acid change (alanine 969 retained).
Molecular consequence: synonymous variant.
Genome position (GRCh38, 1-based): chr17:73,401,084, G>A on the plus strand (C>T on the coding strand, the complement: SDK2 is on the minus strand). VCF-style: chr17-73401084-G-A. GRCh37 (hg19) VCF-style: chr17-71397223-G-A.
Identifiers: ClinVar variation 2648182 (VCV002648182.24), dbSNP rs143289914, ClinGen allele CA8743315.